The following is an entry in ClinVar:

ClinVar aggregate classification (germline): Uncertain significance (1 of 4 stars; one submission).

Allele frequency attached by ClinVar (database versions not stated): gnomAD exomes below 0.00001.
gnomAD v4.1: 1 of 1,614,180 alleles (0.000062%); highest among the groups gnomAD compares: Non-Finnish European, 0.000085%; no homozygotes.

Submission:

Centre of Medical Genetics, University Hospital Muenster
Classification: Uncertain significance. Last evaluated: 2022-02-24. Review status: criteria provided, single submitter. Criteria: ACMG Guidelines, 2015. Collection method: clinical testing. Allele origin: germline. Affected: yes. Observed: 1 variant allele, 1 heterozygote.
Comment: ACMG categories: PM2,PP3

NM_000089.4(COL1A2):c.333A>G (p.Gln111=)

Gene: COL1A2 (collagen type I alpha 2 chain; plus strand). Cytogenetic location: 7q21.3.
Variant type: single nucleotide variant.
Coding change: c.333A>G on transcript NM_000089.4 (MANE Select); coding-DNA position 333, A replaced by G.
Protein change: p.Gln111=; no amino-acid change (glutamine 111 retained).
Molecular consequence: synonymous variant.
Genome position (GRCh38, 1-based): chr7:94,404,701, A>G. VCF-style: chr7-94404701-A-G. GRCh37 (hg19) VCF-style: chr7-94034013-A-G.
Identifiers: ClinVar variation 1676802 (VCV001676802.2), dbSNP rs1791759160, ClinGen allele CA456487100.